The following is an entry in ClinVar:

NM_015466.4(PTPN23):c.4640C>G (p.Pro1547Arg)

Gene: PTPN23 (protein tyrosine phosphatase non-receptor type 23; plus strand). Cytogenetic location: 3p21.31.
Variant type: single nucleotide variant.
Coding change: c.4640C>G on transcript NM_015466.4 (MANE Select); coding-DNA position 4640, C replaced by G.
Protein change: p.Pro1547Arg; replaces proline 1547 with arginine.
Molecular consequence: missense variant.
Genome position (GRCh38, 1-based): chr3:47,412,914, C>G. VCF-style: chr3-47412914-C-G. GRCh37 (hg19) VCF-style: chr3-47454404-C-G.
Other names: c.4262C>G, p.Pro1421Arg (NM_001304482.2); c.4640C>G (NM_015466.2); short protein forms P1421R, P1547R.
Identifiers: ClinVar variation 1521720 (VCV001521720.4), dbSNP rs145767987, ClinGen allele CA2366668.
Genomic context (GRCh38, chr3:47,412,914, plus strand): 5'-CAGGCCTCCCGCCAGCCAGCCTCCCAGAGTCTACCCCAATCCCATCTTCCTCCCCGCCCC[C>G]CCTTTCCTCCCCACTACCTGAGGCTCCCCAGCCTAAGGAGGAGCCGCCAGTGCCTGAAGC-3'
Protein context (NP_056281.1, residues 1537-1557): STPIPSSSPP[Pro1547Arg]LSSPLPEAPQ

ClinVar aggregate classification (germline): Uncertain significance. Review status: criteria provided, multiple submitters, no conflicts (2 of 4 stars). 3 submissions from 3 submitters: Uncertain significance (3). Last evaluated 2023-03-31.

Conditions:
Inborn genetic diseases. Identifiers: MedGen C0950123, MeSH D030342.

Allele frequency attached by ClinVar (database versions not stated): ESP Exome Variant Server 0.00015.

Submissions (3):

GeneDx
Classification: Uncertain significance. Last evaluated: 2023-03-31. Review status: criteria provided, single submitter. Criteria: GeneDx Variant Classification Process June 2021. Collection method: clinical testing. Allele origin: germline. Affected: yes.
Comment: In silico analysis supports that this missense variant does not alter protein structure/function; Has not been previously published as pathogenic or benign to our knowledge

Ambry Genetics
Classification: Uncertain significance for Inborn genetic diseases. Last evaluated: 2023-03-02. Review status: criteria provided, single submitter. Criteria: Ambry Variant Classification Scheme 2023. Collection method: clinical testing. Allele origin: germline.

Labcorp Genetics (formerly Invitae), Labcorp
Classification: Uncertain significance. Last evaluated: 2022-10-18. Review status: criteria provided, single submitter. Criteria: Invitae Variant Classification Sherloc (09022015). Collection method: clinical testing. Allele origin: germline.
Comment: This sequence change replaces proline, which is neutral and non-polar, with arginine, which is basic and polar, at codon 1547 of the PTPN23 protein (p.Pro1547Arg). This variant is present in population databases (rs145767987, gnomAD 0.03%). This variant has not been reported in the literature in individuals affected with PTPN23-related conditions. ClinVar contains an entry for this variant (Variation ID: 1521720). Algorithms developed to predict the effect of missense changes on protein structure and function are either unavailable or do not agree on the potential impact of this missense change (SIFT: "Tolerated"; PolyPhen-2: "Not Available"; Align-GVGD: "Class C0"). In summary, the available evidence is currently insufficient to determine the role of this variant in disease. Therefore, it has been classified as a Variant of Uncertain Significance.